The following is an entry in ClinVar:

NM_001353345.2(SETD1B):c.2818_2838del (p.Glu940_Gly946del)

Gene: SETD1B (SET domain containing 1B, histone lysine methyltransferase; plus strand). Cytogenetic location: 12q24.31.
Variant type: Deletion.
Coding change: c.2818_2838del on transcript NM_001353345.2 (MANE Select); coding-DNA positions 2818 to 2838, 21 bases deleted (GAGGGCCTGGGCTACGAGGGC).
Protein change: p.Glu940_Gly946del.
Molecular consequence: inframe deletion.
Genome position (GRCh38, 1-based): chr12:121,817,135-121,817,155, GAGGGCCTGGGCTACGAGGGC deleted; deleting any 21 consecutive bases within chr12:121,817,130-121,817,155 gives the same sequence; the c. name uses the placement nearest the transcript's 3' end. VCF-style (leftmost placement, unchanged base first): chr12-121817129-AAGGGCGAGGGCCTGGGCTACG-A. GRCh37 (hg19) VCF-style: chr12-122255035-AAGGGCGAGGGCCTGGGCTACG-A.
Identifiers: ClinVar variation 2576772 (VCV002576772.1), dbSNP rs2500211589, ClinGen allele CA2580614589.
Genomic context (GRCh38, chr12:121,817,129, plus strand): 5'-GACGAGGACAGGCCGAAGCCCAAGGACCGCATCGCCTCGTGCCTGCTGGAGTCATGGGGC[AAGGGCGAGGGCCTGGGCTACG>A]AGGGCCTGGGCCTGGGCATTGGGCTGCGTGGGGCCATTCGCCTGCCCTCCTTCAAGGTCA-3'

ClinVar aggregate classification (germline): Uncertain significance (1 of 4 stars; one submission).

Submission:

GeneDx
Classification: Uncertain significance. Last evaluated: 2023-02-16. Review status: criteria provided, single submitter. Criteria: GeneDx Variant Classification Process June 2021. Collection method: clinical testing. Allele origin: germline. Affected: yes.
Comment: In-frame deletion of 7 amino acids in a non-repeat region; Not observed at significant frequency in large population cohorts (gnomAD); In silico analysis supports a deleterious effect on protein structure/function; Has not been previously published as pathogenic or benign to our knowledge